The following is an entry in ClinVar:

ClinVar aggregate classification (germline): Uncertain significance (1 of 4 stars; one submission).

Conditions:
Inborn genetic diseases. Identifiers: MedGen C0950123, MeSH D030342.

gnomAD v4.1: 12 of 1,450,502 alleles (0.00083%); highest among the groups gnomAD compares: African/African-American, 0.009%; no homozygotes.

Submission:

Ambry Genetics
Classification: Uncertain significance for Inborn genetic diseases. Last evaluated: 2018-09-12. Review status: criteria provided, single submitter. Criteria: Ambry Variant Classification Scheme 2023. Collection method: clinical testing. Allele origin: germline.
Comment: The p.D45N variant (also known as c.133G>A), located in coding exon 1 of the FXN gene, results from a G to A substitution at nucleotide position 133. The aspartic acid at codon 45 is replaced by asparagine, an amino acid with some highly similar properties. This amino acid position is poorly conserved in available vertebrate species. In addition, this alteration is predicted to be tolerated by in silico analysis. Since supporting evidence is limited at this time, the clinical significance of this alteration remains unclear.

NM_000144.5(FXN):c.133G>A (p.Asp45Asn)

Genes: FXN (frataxin; plus strand), LOC130001862 (ATAC-STARR-seq lymphoblastoid silent region 19931; plus strand). Cytogenetic location: 9q21.11.
Variant type: single nucleotide variant.
Coding change: c.133G>A on transcript NM_000144.5 (MANE Select); coding-DNA position 133, G replaced by A.
Protein change: p.Asp45Asn; replaces aspartic acid 45 with asparagine.
Molecular consequence: missense variant.
Genome position (GRCh38, 1-based): chr9:69,035,915, G>A. VCF-style: chr9-69035915-G-A. GRCh37 (hg19) VCF-style: chr9-71650831-G-A.
Other names: c.133G>A, p.Asp45Asn (NM_181425.3); short protein forms D45N.
Identifiers: ClinVar variation 1770332 (VCV001770332.2), dbSNP rs755663313, ClinGen allele CA5072645.